The following is an entry in ClinVar:

NM_020778.5(ALPK3):c.2987C>G (p.Thr996Ser)

Gene: ALPK3 (alpha kinase 3; plus strand). Cytogenetic location: 15q25.3.
Variant type: single nucleotide variant.
Coding change: c.2987C>G on transcript NM_020778.5 (MANE Select); coding-DNA position 2987, C replaced by G.
Protein change: p.Thr996Ser; replaces threonine 996 with serine.
Molecular consequence: missense variant.
Genome position (GRCh38, 1-based): chr15:84,857,725, C>G. VCF-style: chr15-84857725-C-G. GRCh37 (hg19) VCF-style: chr15-85400956-C-G.
Other names: short protein forms T996S.
Identifiers: ClinVar variation 1512634 (VCV001512634.6), dbSNP rs2141568517, ClinGen allele CA393359381.

ClinVar aggregate classification (germline): Uncertain significance (1 of 4 stars; one submission).

gnomAD v4.1: 1 of 1,613,320 alleles (0.000062%); highest among the groups gnomAD compares: Non-Finnish European, 0.000085%; no homozygotes.

Submission:

Labcorp Genetics (formerly Invitae), Labcorp
Classification: Uncertain significance. Last evaluated: 2021-08-14. Review status: criteria provided, single submitter. Criteria: Invitae Variant Classification Sherloc (09022015). Collection method: clinical testing. Allele origin: germline.
Comment: This sequence change replaces threonine with serine at codon 1198 of the ALPK3 protein (p.Thr1198Ser). The threonine residue is moderately conserved and there is a small physicochemical difference between threonine and serine. This variant is not present in population databases (ExAC no frequency). This variant has not been reported in the literature in individuals affected with ALPK3-related conditions. Algorithms developed to predict the effect of missense changes on protein structure and function output the following: SIFT: "Tolerated"; PolyPhen-2: "Benign"; Align-GVGD: "Class C0". The serine amino acid residue is found in multiple mammalian species, which suggests that this missense change does not adversely affect protein function. In summary, the available evidence is currently insufficient to determine the role of this variant in disease. Therefore, it has been classified as a Variant of Uncertain Significance.